The following is an entry in ClinVar:

ClinVar aggregate classification (germline): Likely benign. Review status: criteria provided, multiple submitters, no conflicts (2 of 4 stars). 5 submissions from 5 submitters: Likely benign (4). 1 of the submissions does not count toward it. Last evaluated 2026-01-01.

Conditions:
Inborn genetic diseases. Identifiers: MedGen C0950123, MeSH D030342.
Cutis laxa, X-linked (OHS). Also called: EDS IX; Occipital horn syndrome. Identifiers: Orphanet 198, MedGen C0268353, MONDO:0010572, OMIM 304150.
X-linked distal spinal muscular atrophy type 3. Also called: NEURONOPATHY, DISTAL HEREDITARY MOTOR, X-LINKED; NEUROPATHY, DISTAL HEREDITARY MOTOR, X-LINKED; ATP7A-Related Distal Motor Neuropathy; SPINAL MUSCULAR ATROPHY, DISTAL, X-LINKED RECESSIVE. Identifiers: Orphanet 139557, MedGen C1845359, MONDO:0010338, OMIM 300489.
Menkes kinky-hair syndrome (MNK). Also called: Copper transport disease; Menkes Disease; Classic Menkes Disease. Identifiers: Orphanet 565, MedGen C0022716, MONDO:0010651, OMIM 309400.

Allele frequency attached by ClinVar (database versions not stated): ExAC 0.00001; gnomAD 0.00001; gnomAD exomes 0.00001; TOPMed 0.00001.
gnomAD v4.1: 10 of 1,209,734 alleles (0.00083%); highest among the groups gnomAD compares: South Asian, 0.0018%; no homozygotes.

Submissions (5):

CeGaT Center for Human Genetics Tuebingen
Classification: Likely benign. Last evaluated: 2026-01-01. Review status: criteria provided, single submitter. Criteria: CeGaT Center For Human Genetics Tuebingen Variant Classification Criteria Version 2. Collection method: clinical testing. Allele origin: germline. Affected: yes. Observed: 4 variant alleles.
Comment: ATP7A: BP4, BS2

Labcorp Genetics (formerly Invitae), Labcorp
Classification: Likely benign for X-linked distal spinal muscular atrophy type 3; Cutis laxa, X-linked; Menkes kinky-hair syndrome. Last evaluated: 2025-12-23. Review status: criteria provided, single submitter. Criteria: Invitae Variant Classification Sherloc (09022015). Collection method: clinical testing. Allele origin: germline.

Blueprint Genetics
Classification: Likely benign. Last evaluated: 2024-05-13. Review status: criteria provided, single submitter. Criteria: ACMG Guidelines, 2015. Collection method: clinical testing. Allele origin: germline.

Ambry Genetics
Classification: Likely benign for Inborn genetic diseases. Last evaluated: 2020-01-14. Review status: criteria provided, single submitter. Criteria: Ambry Variant Classification Scheme 2023. Collection method: clinical testing. Allele origin: germline.

Natera, Inc.
Classification: Uncertain significance for Menkes kinky hair syndrome. Last evaluated: 2020-01-24. Review status: no assertion criteria provided. Collection method: clinical testing. Allele origin: germline. Not counted in ClinVar's aggregate classification.

NM_000052.7(ATP7A):c.514G>A (p.Val172Met)

Gene: ATP7A (ATPase copper transporting alpha; plus strand). Cytogenetic location: Xq21.1.
Variant type: single nucleotide variant.
Coding change: c.514G>A on transcript NM_000052.7 (MANE Select); coding-DNA position 514, G replaced by A.
Protein change: p.Val172Met; replaces valine 172 with methionine.
Molecular consequence: missense variant.
Genome position (GRCh38, 1-based): chrX:77,988,635, G>A. VCF-style: chrX-77988635-G-A. GRCh37 (hg19) VCF-style: chrX-77244131-G-A.
Other names: c.514G>A (NM_000052.4); c.514G>A, p.Val172Met (NM_001282224.2); short protein forms V172M.
Identifiers: ClinVar variation 970547 (VCV000970547.35), dbSNP rs782248978, ClinGen allele CA10458932.